The following is an entry in ClinVar:

NM_001371720.2(MUC1):c.327G>C (p.Ser109=)

Gene: MUC1 (mucin 1, cell surface associated; minus strand). Cytogenetic location: 1q22.
Variant type: single nucleotide variant.
Coding change: c.327G>C on transcript NM_001371720.2; coding-DNA position 327, G replaced by C.
Protein change: p.Ser109=; no amino-acid change (serine 109 retained).
Molecular consequence: synonymous variant. On other transcripts: intron variant (18).
Genome position (GRCh38, 1-based): chr1:155,192,042, C>G on the plus strand (G>C on the coding strand, the complement: MUC1 is on the minus strand). VCF-style: chr1-155192042-C-G. GRCh37 (hg19) VCF-style: chr1-155161833-C-G.
Other names: c.186+141G>C (NM_001204295.1, NM_001204289.2, NM_001204296.2 and 7 more transcripts); c.123+141G>C (NM_001204290.2); c.159+141G>C (NM_001204294.2, NM_001044393.3, NM_001044390.3 and 4 more transcripts); c.300G>C, p.Ser100= (NM_001204285.2); c.327G>C, p.Ser109= (NM_001204286.1).
Identifiers: ClinVar variation 1879094 (VCV001879094.29), dbSNP rs147687610, ClinGen allele CA889676954.
Genomic context (GRCh38, chr1:155,192,042, plus strand): 5'-TGAGGTGACATCGTGGGCTGGCGGGGTGGTGGAGCCCAGGGCTGGCCTGGTGACTGGGAC[C>G]GAGGTGACATCCTGTCCCCAGGTGGCAGCTGAACCTGAAGCTGGTTCCGTGGCCGGGGCC-3'

ClinVar aggregate classification (germline): Benign (1 of 4 stars; one submission).

Allele frequency attached by ClinVar (database versions not stated): 1000 Genomes Project 30x 0.00547; 1000 Genomes Project 0.00599.

Submission:

CeGaT Center for Human Genetics Tuebingen
Classification: Benign. Last evaluated: 2026-08-01. Review status: criteria provided, single submitter. Criteria: CeGaT Center For Human Genetics Tuebingen Variant Classification Criteria Version 2. Collection method: clinical testing. Allele origin: germline. Affected: yes. Observed: 12 variant alleles.
Comment: MUC1: BP4, BP7, BS1, BS2